The following is an entry in ClinVar:

ClinVar aggregate classification (germline): Uncertain significance (1 of 4 stars; one submission).

Allele frequency attached by ClinVar (database versions not stated): gnomAD exomes below 0.00001; ExAC 0.00001.
gnomAD v4.1: 3 of 1,612,842 alleles (0.00019%); highest among the groups gnomAD compares: African/African-American, 0.0027%; no homozygotes.

Submission:

Ambry Genetics
Classification: Uncertain significance. Last evaluated: 2024-09-26. Review status: criteria provided, single submitter. Criteria: Ambry Variant Classification Scheme 2023. Collection method: clinical testing. Allele origin: germline.
Comment: The p.D432A variant (also known as c.1295A>C), located in coding exon 5 of the PALLD gene, results from an A to C substitution at nucleotide position 1295. The aspartic acid at codon 432 is replaced by alanine, an amino acid with dissimilar properties. This amino acid position is conserved. In addition, the in silico prediction for this alteration is inconclusive. Since supporting evidence is limited at this time, the clinical significance of this alteration remains unclear.

NM_001166108.2(PALLD):c.1295A>C (p.Asp432Ala)

Gene: PALLD (palladin, cytoskeletal associated protein; plus strand). Cytogenetic location: 4q32.3.
Variant type: single nucleotide variant.
Coding change: c.1295A>C on transcript NM_001166108.2 (MANE Select); coding-DNA position 1295, A replaced by C.
Protein change: p.Asp432Ala; replaces aspartic acid 432 with alanine.
Molecular consequence: missense variant.
Genome position (GRCh38, 1-based): chr4:168,685,519, A>C. VCF-style: chr4-168685519-A-C. GRCh37 (hg19) VCF-style: chr4-169606670-A-C.
Other names: c.149A>C, p.Asp50Ala (NM_001166109.2); c.1295A>C, p.Asp432Ala (NM_016081.4); short protein forms D50A, D432A.
Identifiers: ClinVar variation 1769186 (VCV001769186.3), dbSNP rs765965174, ClinGen allele CA3135569.
Genomic context (GRCh38, chr4:168,685,519, plus strand): 5'-TGATCCATATGTCTCTGCTTTTGCAGGTTCACAGTCCAACTTCATATCTCTGCCGACCTG[A>C]TGGAACCACTACTGCCTACTTTCCTCCTGTTTTTACAAAGGTCTGACATCTGGAAGTCTC-3'
Protein context (NP_001159580.1, residues 422-442): HSPTSYLCRP[Asp432Ala]GTTTAYFPPV